The following is an entry in ClinVar:

NM_006431.3(CCT2):c.1051G>A (p.Glu351Lys)

Gene: CCT2 (chaperonin containing TCP1 subunit 2; plus strand). Cytogenetic location: 12q15.
Variant type: single nucleotide variant.
Coding change: c.1051G>A on transcript NM_006431.3 (MANE Select); coding-DNA position 1051, G replaced by A.
Protein change: p.Glu351Lys; replaces glutamic acid 351 with lysine.
Molecular consequence: missense variant.
Genome position (GRCh38, 1-based): chr12:69,597,224, G>A. VCF-style: chr12-69597224-G-A. GRCh37 (hg19) VCF-style: chr12-69991004-G-A.
Other names: c.910G>A, p.Glu304Lys (NM_001198842.2); short protein forms E351K, E304K.
Identifiers: ClinVar variation 1434540 (VCV001434540.8), dbSNP rs1275711239, ClinGen allele CA385730219.

ClinVar aggregate classification (germline): Uncertain significance (1 of 4 stars; one submission).

Allele frequency attached by ClinVar (database versions not stated): gnomAD exomes below 0.00001.
gnomAD v4.1: 1 of 1,613,990 alleles (0.000062%); highest among the groups gnomAD compares: Non-Finnish European, 0.000085%; no homozygotes.

Submission:

Labcorp Genetics (formerly Invitae), Labcorp
Classification: Uncertain significance. Last evaluated: 2023-10-03. Review status: criteria provided, single submitter. Criteria: Invitae Variant Classification Sherloc (09022015). Collection method: clinical testing. Allele origin: germline.
Comment: This sequence change replaces glutamic acid, which is acidic and polar, with lysine, which is basic and polar, at codon 351 of the CCT2 protein (p.Glu351Lys). This variant is present in population databases (no rsID available, gnomAD 0.0009%). This variant has not been reported in the literature in individuals affected with CCT2-related conditions. ClinVar contains an entry for this variant (Variation ID: 1434540). An algorithm developed to predict the effect of missense changes on protein structure and function (PolyPhen-2) suggests that this variant is likely to be disruptive. In summary, the available evidence is currently insufficient to determine the role of this variant in disease. Therefore, it has been classified as a Variant of Uncertain Significance.